The following is an entry in ClinVar:

NM_000540.3(RYR1):c.13049CGG[5] (p.Ala4351_Ala4352dup)

Gene: RYR1 (ryanodine receptor 1; plus strand). Cytogenetic location: 19q13.2.
Variant type: Microsatellite.
Coding change: c.13049CGG[5] on transcript NM_000540.3 (MANE Select); five copies in a row of the 3-base unit CGG starting at c.13049; the reference has three copies in a row; two copies, 6 bases duplicated.
Protein change: p.Ala4351_Ala4352dup.
Molecular consequence: inframe insertion.
Genome position (GRCh38, 1-based): chr19:38,565,386-38,565,391, CGGCGG duplicated; duplicating any 6 consecutive bases within chr19:38,565,381-38,565,391 gives the same sequence; the position shown is the placement nearest the transcript's 3' end. VCF-style (leftmost placement, unchanged base first): chr19-38565380-G-GGGCGGC. GRCh37 (hg19) VCF-style: chr19-39056020-G-GGGCGGC.
Other names: c.13034CGG[5], p.Ala4346_Ala4347dup (NM_001042723.2).
Identifiers: ClinVar variation 1433911 (VCV001433911.6), dbSNP rs1271736045, ClinGen allele CA882058928.

ClinVar aggregate classification (germline): Uncertain significance (1 of 4 stars; one submission).

Conditions:
RYR1-related disorder. Also called: RYR1-related condition; RYR1-related disorders. Identifiers: MedGen CN239331.

Submission:

Labcorp Genetics (formerly Invitae), Labcorp
Classification: Uncertain significance for RYR1-related disorder. Last evaluated: 2021-09-18. Review status: criteria provided, single submitter. Criteria: Invitae Variant Classification Sherloc (09022015). Collection method: clinical testing. Allele origin: germline.
Comment: The frequency data for this variant in the population databases is considered unreliable, as metrics indicate insufficient coverage at this position in the ExAC database. This variant has not been reported in the literature in individuals affected with RYR1-related conditions. Experimental studies and prediction algorithms are not available or were not evaluated, and the functional significance of this variant is currently unknown. In summary, the available evidence is currently insufficient to determine the role of this variant in disease. Therefore, it has been classified as a Variant of Uncertain Significance. This variant, c.13052_13057dup, results in the insertion of 2 amino acid(s) to the RYR1 protein (p.Ala4351_Ala4352dup), but otherwise preserves the integrity of the reading frame.